The following is an entry in ClinVar:

ClinVar aggregate classification (germline): Pathogenic (1 of 4 stars; one submission).

Conditions:
Rubinstein-Taybi syndrome due to CREBBP mutations (RSTS1). Also called: RUBINSTEIN-TAYBI SYNDROME 1, INCOMPLETE; BROAD THUMB-HALLUX SYNDROME; RUBINSTEIN SYNDROME; Rubinstein-Taybi syndrome 1; BROAD THUMBS AND GREAT TOES, CHARACTERISTIC FACIES, AND IMPAIRED INTELLECTUAL DEVELOPMENT; CREBBP-Related Rubinstein-Taybi Syndrome. Identifiers: Orphanet 353277, Orphanet 783, MedGen C4551859, MONDO:0008393, OMIM 180849.

Submission:

Institute of Human Genetics, University of Leipzig Medical Center
Classification: Pathogenic for Rubinstein-Taybi syndrome due to CREBBP mutations. Last evaluated: 2025-12-01. Review status: criteria provided, single submitter. Criteria: ACMG Guidelines, 2015. Collection method: clinical testing. Allele origin: de novo. Inheritance: Autosomal dominant inheritance. Affected: yes.
Comment: Criteria applied: PVS1,PM2,PS2_MOD

NM_004380.3(CREBBP):c.4369dup (p.Tyr1457fs)

Gene: CREBBP (CREB binding lysine acetyltransferase; minus strand). Cytogenetic location: 16p13.3.
Variant type: Duplication.
Coding change: c.4369dup on transcript NM_004380.3 (MANE Select); coding-DNA position 4369, one base duplicated (T; older notation c.4369dupT).
Protein change: p.Tyr1457fs; shifts the reading frame from tyrosine 1457.
Molecular consequence: frameshift variant.
Genome position (GRCh38, 1-based): chr16:3,738,584, A duplicated on the plus strand (T on the coding strand, the reverse complement: CREBBP is on the minus strand). VCF-style (leftmost placement, unchanged base first): chr16-3738583-T-TA. GRCh37 (hg19) VCF-style: chr16-3788584-T-TA.
Other names: c.4255dup, p.Tyr1419fs (NM_001079846.1); short protein forms Y1419fs, Y1457fs.
Identifiers: ClinVar variation 4683113 (VCV004683113.2).